The following is an entry in ClinVar:

ClinVar aggregate classification (germline): Likely pathogenic (1 of 4 stars; one submission).

Conditions:
Cataract 40 (CTRCT40). Also called: CATARACT, CONGENITAL TOTAL, WITH POSTERIOR SUTURAL OPACITIES IN HETEROZYGOTES; Cataract 40, X-linked; CATARACT 40 WITH OR WITHOUT MICROCORNEA. Identifiers: Orphanet 91492, MedGen C4049004, MONDO:0010544, OMIM 302200.
Nance-Horan syndrome (NHS). Identifiers: Orphanet 627, MedGen C0796085, MONDO:0010545, OMIM 302350.

Submission:

Molecular Genetics Department, Kulakov National Medical Research Center for Obstetrics, Gynecology and Perinatology
Classification: Likely pathogenic for Cataract 40; Nance-Horan syndrome. Review status: criteria provided, single submitter. Criteria: ACMG Guidelines, 2015. Collection method: clinical testing. Allele origin: germline. Affected: yes.
Comment: A previously undescribed nucleotide variant creates an alteration of the canonical splice site c.1108+1G>A in the NHS gene. Loss-of-function variants are reported in patients with Cataract 40, 302200, Cataract 40, X-linked, 302200, Nance-Horan syndrome, 302350. The variant is not present in population database (gnomAD no frequency). In summary, the currently available evidence indicates that the variant is pathogenic, but additional data are needed to prove that conclusively. Therefore, this variant has been classified as likely pathogenic.

NM_001291867.2(NHS):c.1108+1G>A

Gene: NHS (NHS actin remodeling regulator; plus strand). Cytogenetic location: Xp22.13.
Variant type: single nucleotide variant.
Coding change: c.1108+1G>A on transcript NM_001291867.2 (MANE Select); the canonical splice donor site of the intron after coding-DNA position 1108, G replaced by A.
Molecular consequence: splice donor variant.
Genome position (GRCh38, 1-based): chrX:17,721,634, G>A. VCF-style: chrX-17721634-G-A. GRCh37 (hg19) VCF-style: chrX-17739754-G-A.
Other names: c.1045+1G>A (NM_198270.4); c.577+1G>A (NM_001136024.4); c.514+1G>A (NM_001291868.2).
Identifiers: ClinVar variation 3062267 (VCV003062267.1), dbSNP rs2519927569, ClinGen allele CA412348587.